The following is an entry in ClinVar:

GRCh37/hg19 6q27(chr6:166782209-170890108)x1

Genes: AFDN (afadin, adherens junction formation factor; plus strand), C6orf120 (chromosome 6 open reading frame 120; plus strand), CCR6 (C-C motif chemokine receptor 6; plus strand), CEP43 (centrosomal protein 43; plus strand), DACT2 (dishevelled binding antagonist of beta catenin 2; minus strand) and 21 more. Cytogenetic location: 6q27.
Variant type: copy number loss.
Change: copy number 1 (one copy instead of two) of chr6:166,782,209-170,890,108 (4.11 Mb, GRCh37 coordinates, 1-based), cytogenetic band 6q27.
Identifiers: ClinVar variation 4857035 (VCV004857035.1).

ClinVar aggregate classification (germline): Pathogenic (1 of 4 stars; one submission).

Conditions:
6q terminal deletion syndrome. Identifiers: Orphanet 75857, MedGen C4304514, MONDO:0019164.

Submission:

Molecular Genetics laboratory, Necker Hospital
Classification: Pathogenic for 6q terminal deletion syndrome. Last evaluated: 2026-06-20. Review status: criteria provided, single submitter. Criteria: Pebrel-Richard et al. (Clin Genet. 2026). Collection method: clinical testing. Allele origin: de novo. Affected: yes.
Comment: The 6q27 deletion (chr6:166782209-170890108, hg19) is ~4.1 Mb in size and occurred de novo. The region encompasses 23 OMIM genes (including 7 disease-causing genes) and 17 of them are predicted to be haplosensitive with a pHaplo > 0.55 (Collins et al. Cell 2022, PMID: 35917817). There are no overlapping CNV in DGV-Gold. There are 31 CNV that have been reported as Pathogenic in Decipher with a 70% overlap and 28 CNV that have been reported as Pathogenic in ClinGen with a 70% overlap (according to CNV-Hub, PMID: 42038408). There are 14 patient cases carrying CNVs in the study from Coe et al. Nat Genet 2014 (PMID: 25217958). According the Achro-Puce guidelines (PMID: 40693340), this CNV has been classified pathogenic for the 6q terminal deletion syndrome.